The following is an entry in ClinVar:

NM_021954.4(GJA3):c.226C>G (p.Arg76Gly)

Gene: GJA3 (gap junction protein alpha 3; minus strand). Cytogenetic location: 13q12.11.
Variant type: single nucleotide variant.
Coding change: c.226C>G on transcript NM_021954.4 (MANE Select); coding-DNA position 226, C replaced by G.
Protein change: p.Arg76Gly; replaces arginine 76 with glycine.
Molecular consequence: missense variant.
Genome position (GRCh38, 1-based): chr13:20,143,063, G>C on the plus strand (C>G on the coding strand, the complement: GJA3 is on the minus strand). VCF-style: chr13-20143063-G-C. GRCh37 (hg19) VCF-style: chr13-20717202-G-C.
Other names: short protein forms R76G.
Identifiers: ClinVar variation 3253687 (VCV003253687.1), dbSNP rs1566515310.
Genomic context (GRCh38, chr13:20,143,063, plus strand): 5'-CGTGGCCCAGGTAGATGAGGGTGGGCGTGGACACGAAGATGATCTGCAGCGCCCAGAAGC[G>C]GATGTGGGAGATGGGGAAGGCCCTGTCGTAGCAGACGTTCTCGCAGCCCGGCTGCTGGGT-3'
Protein context (NP_068773.2, residues 66-86): YDRAFPISHI[Arg76Gly]FWALQIIFVS

ClinVar aggregate classification (germline): Uncertain significance (1 of 4 stars; one submission).

Conditions:
Cataract 14 multiple types. Also called: CATARACT 14, ZONULAR PULVERULENT; CATARACT 14, NUCLEAR PULVERULENT; CATARACT 14, NUCLEAR PULVERULENT AND POSTERIOR POLAR; CATARACT 14, NUCLEAR CORALLIFORM; CATARACT 14, EMBRYONAL NUCLEAR; CATARACT 14, COPPOCK-LIKE. Identifiers: Orphanet 91492, MedGen C1866078, MONDO:0011162, OMIM 601885.

Submission:

Dept. Genetics and Cancer, Menzies Institute for Medical Research, University of Tasmania
Classification: Uncertain significance for Cataract 14 multiple types. Last evaluated: 2023-01-21. Review status: criteria provided, single submitter. Criteria: ACMG Guidelines, 2015. Collection method: curation. Allele origin: germline. Affected: yes.
Comment: Variant identified and curated during a GJA3 specific review of the literature in relation to pediatric or congenital cataract. ACMG-AMP criteria applied: PM1, PM2(Supporting), PM5(Supporting), PP3. Original variant report: PMID:16254549. The cataract phenotype reported for this variant is: Total. Gene review and curation guidelines are outlined in: DOI 10.1080/17469899.2023.2160320

Literature cited by the submitters: PubMed 16254549.